The following is an entry in ClinVar:

NM_007279.3(U2AF2):c.739C>T (p.Pro247Ser)

Gene: U2AF2 (U2 small nuclear RNA auxiliary factor 2; plus strand). Cytogenetic location: 19q13.42.
Variant type: single nucleotide variant.
Coding change: c.739C>T on transcript NM_007279.3 (MANE Select); coding-DNA position 739, C replaced by T.
Protein change: p.Pro247Ser; replaces proline 247 with serine.
Molecular consequence: missense variant.
Genome position (GRCh38, 1-based): chr19:55,663,741, C>T. VCF-style: chr19-55663741-C-T. GRCh37 (hg19) VCF-style: chr19-56175107-C-T.
Other names: c.739C>T, p.Pro247Ser (NM_001012478.2); short protein forms P247S.
Identifiers: ClinVar variation 5019240 (VCV005019240.2).

ClinVar aggregate classification (germline): Uncertain significance (1 of 4 stars; one submission).

Conditions:
Developmental delay, dysmorphic facies, and brain anomalies. Identifiers: MedGen C5882698, MONDO:0957810, OMIM 620535.

Submission:

Juno Genomics, Hangzhou Juno Genomics, Inc
Classification: Uncertain significance for Developmental delay, dysmorphic facies, and brain anomalies. Review status: criteria provided, single submitter. Criteria: ACMG Guidelines, 2015. Collection method: clinical testing. Allele origin: germline.
Comment: Absent from controls (or at extremely low frequency if recessive) in Genome Aggregation Database.;Missense variant in a gene that has a low rate of benign missense variation.